The following is an entry in ClinVar:

ClinVar aggregate classification (germline): Uncertain significance (1 of 4 stars; one submission).

Submission:

Labcorp Genetics (formerly Invitae), Labcorp
Classification: Uncertain significance. Last evaluated: 2022-06-23. Review status: criteria provided, single submitter. Criteria: Invitae Variant Classification Sherloc (09022015). Collection method: clinical testing. Allele origin: germline.
Comment: In summary, the available evidence is currently insufficient to determine the role of this variant in disease. Therefore, it has been classified as a Variant of Uncertain Significance. Algorithms developed to predict the effect of missense changes on protein structure and function are either unavailable or do not agree on the potential impact of this missense change (SIFT: "Tolerated"; PolyPhen-2: "Possibly Damaging"; Align-GVGD: "Class C0"). This variant has not been reported in the literature in individuals affected with TRPM1-related conditions. This variant is not present in population databases (gnomAD no frequency). This sequence change replaces lysine, which is basic and polar, with asparagine, which is neutral and polar, at codon 719 of the TRPM1 protein (p.Lys719Asn).

NM_001252024.2(TRPM1):c.2223A>T (p.Lys741Asn)

Gene: TRPM1 (transient receptor potential cation channel subfamily M member 1; minus strand). Cytogenetic location: 15q13.3.
Variant type: single nucleotide variant.
Coding change: c.2223A>T on transcript NM_001252024.2 (MANE Select); coding-DNA position 2223, A replaced by T.
Protein change: p.Lys741Asn; replaces lysine 741 with asparagine.
Molecular consequence: missense variant.
Genome position (GRCh38, 1-based): chr15:31,040,211, T>A on the plus strand (A>T on the coding strand, the complement: TRPM1 is on the minus strand). VCF-style: chr15-31040211-T-A. GRCh37 (hg19) VCF-style: chr15-31332414-T-A.
Other names: c.2274A>T, p.Lys758Asn (NM_001252020.2); c.2157A>T, p.Lys719Asn (NM_002420.6); short protein forms K758N, K719N, K741N.
Identifiers: ClinVar variation 2009785 (VCV002009785.4), dbSNP rs2504109098, ClinGen allele CA391509874.